The following is an entry in ClinVar:

NM_005477.3(HCN4):c.3446_3447delinsTT (p.His1149Leu)

Gene: HCN4 (hyperpolarization activated cyclic nucleotide gated potassium channel 4; minus strand). Cytogenetic location: 15q24.1.
Variant type: Indel.
Coding change: c.3446_3447delinsTT on transcript NM_005477.3 (MANE Select); coding-DNA positions 3446 to 3447, AC replaced by TT.
Protein change: p.His1149Leu; replaces histidine 1149 with leucine.
Molecular consequence: missense variant.
Genome position (GRCh38, 1-based): chr15:73,322,646-73,322,647, GT replaced by AA on the plus strand (AC replaced by TT on the coding strand, the reverse complement: HCN4 is on the minus strand). VCF-style: chr15-73322646-GT-AA. GRCh37 (hg19) VCF-style: chr15-73614987-GT-AA.
Other names: c.3446_3447delACinsTT (NM_005477.2); short protein forms H1149L.
Identifiers: ClinVar variation 945800 (VCV000945800.12), dbSNP rs2042867595, ClinGen allele CA1139664081.

ClinVar aggregate classification (germline): Uncertain significance. Review status: criteria provided, multiple submitters, no conflicts (2 of 4 stars). 3 submissions from 3 submitters: Uncertain significance (3). Last evaluated 2025-12-27.

Conditions:
Cardiovascular phenotype. Identifiers: MedGen CN230736.
Brugada syndrome 8 (BRGDA8). Identifiers: Orphanet 130, MedGen C2751083, MONDO:0013148, OMIM 613123.

Submissions (3):

Labcorp Genetics (formerly Invitae), Labcorp
Classification: Uncertain significance for Brugada syndrome 8. Last evaluated: 2025-12-27. Review status: criteria provided, single submitter. Criteria: Invitae Variant Classification Sherloc (09022015). Collection method: clinical testing. Allele origin: germline.
Comment: This sequence change replaces histidine, which is basic and polar, with leucine, which is neutral and non-polar, at codon 1149 of the HCN4 protein (p.His1149Leu). This variant is present in population databases (no rsID available, gnomAD 0.0008%). This variant has not been reported in the literature in individuals affected with HCN4-related conditions. ClinVar contains an entry for this variant (Variation ID: 945800). An algorithm developed to predict the effect of missense changes on protein structure and function (PolyPhen-2) suggests that this variant is likely to be disruptive. In summary, the available evidence is currently insufficient to determine the role of this variant in disease. Therefore, it has been classified as a Variant of Uncertain Significance.

Molecular Diagnostic Laboratory for Inherited Cardiovascular Disease, Montreal Heart Institute
Classification: Uncertain significance for Cardiovascular phenotype. Last evaluated: 2025-04-09. Review status: criteria provided, single submitter. Criteria: ACMG Guidelines, 2015. Collection method: clinical testing. Allele origin: germline. Affected: yes.

Ambry Genetics
Classification: Uncertain significance for Cardiovascular phenotype. Last evaluated: 2023-06-09. Review status: criteria provided, single submitter. Criteria: Ambry Variant Classification Scheme 2023. Collection method: clinical testing. Allele origin: germline.
Comment: The c.3446_3447delACinsTT variant, located in coding exon 8 of the HCN4 gene, results from an in-frame deletion of AC and insertion of TT at nucleotide positions 3446 to 3447. This results in the substitution of the histidine residue for a leucine residue at codon 1149, an amino acid with similar properties. This amino acid position is not well conserved in available vertebrate species. In addition, this alteration is predicted to be neutral by in silico analysis (Choi Y et al. PLoS ONE. 2012; 7(10):e46688). Since supporting evidence is limited at this time, the clinical significance of this alteration remains unclear.